The following is an entry in ClinVar:

NM_001369268.1(ACAN):c.4927C>T (p.Pro1643Ser)

Gene: ACAN (aggrecan; plus strand). Cytogenetic location: 15q26.1.
Variant type: single nucleotide variant.
Coding change: c.4927C>T on transcript NM_001369268.1 (MANE Select); coding-DNA position 4927, C replaced by T.
Protein change: p.Pro1643Ser; replaces proline 1643 with serine.
Molecular consequence: missense variant.
Genome position (GRCh38, 1-based): chr15:88,857,512, C>T. VCF-style: chr15-88857512-C-T. GRCh37 (hg19) VCF-style: chr15-89400743-C-T.
Other names: c.4927C>T, p.Pro1643Ser (NM_001135.4, NM_001411096.1, NM_001411097.1 and 1 more transcripts); short protein forms P1643S.
Identifiers: ClinVar variation 4282299 (VCV004282299.1).

ClinVar aggregate classification (germline): Uncertain significance (1 of 4 stars; one submission).

gnomAD v4.1: 1 of 1,613,928 alleles (0.000062%); highest among the groups gnomAD compares: Non-Finnish European, 0.000085%; no homozygotes.

Submission:

GeneDx
Classification: Uncertain significance. Last evaluated: 2025-04-16. Review status: criteria provided, single submitter. Criteria: GeneDx Variant Classification Process June 2021. Collection method: clinical testing. Allele origin: germline. Affected: yes.
Comment: Not observed at significant frequency in large population cohorts (gnomAD); In silico analysis indicates that this missense variant does not alter protein structure/function; Has not been previously published as pathogenic or benign to our knowledge